The following is an entry in ClinVar:

ClinVar aggregate classification (germline): Uncertain significance. Review status: criteria provided, multiple submitters, no conflicts (2 of 4 stars). 2 submissions from 2 submitters: Uncertain significance (2). Last evaluated 2025-06-29.

Conditions:
Neurofibromatosis, type 1 (NF1). Also called: NEUROFIBROMATOSIS, TYPE I, SOMATIC; VON RECKLINGHAUSEN DISEASE; Peripheral type neurofibromatosis; Neurofibromatosis, type I. Identifiers: Orphanet 636, MedGen C0027831, MONDO:0018975, OMIM 162200. Disease mechanism: loss of function.

Allele frequency attached by ClinVar (database versions not stated): TOPMed below 0.00001; ExAC 0.00001; gnomAD 0.00001.
gnomAD v4.1: 1 of 1,613,358 alleles (0.000062%); highest among the groups gnomAD compares: Non-Finnish European, 0.000085%; no homozygotes.

Submissions (2):

Labcorp Genetics (formerly Invitae), Labcorp
Classification: Uncertain significance for Neurofibromatosis, type 1. Last evaluated: 2025-06-29. Review status: criteria provided, single submitter. Criteria: Invitae Variant Classification Sherloc (09022015). Collection method: clinical testing. Allele origin: germline.
Comment: This sequence change replaces valine, which is neutral and non-polar, with isoleucine, which is neutral and non-polar, at codon 207 of the NF1 protein (p.Val207Ile). This variant is not present in population databases (gnomAD no frequency). This variant has not been reported in the literature in individuals affected with NF1-related conditions. ClinVar contains an entry for this variant (Variation ID: 1464955). Invitae Evidence Modeling of protein sequence and biophysical properties (such as structural, functional, and spatial information, amino acid conservation, physicochemical variation, residue mobility, and thermodynamic stability) indicates that this missense variant is not expected to disrupt NF1 protein function with a negative predictive value of 95%. In summary, the available evidence is currently insufficient to determine the role of this variant in disease. Therefore, it has been classified as a Variant of Uncertain Significance.

Women's Health and Genetics/Laboratory Corporation of America, LabCorp
Classification: Uncertain significance. Last evaluated: 2024-06-16. Review status: criteria provided, single submitter. Criteria: LabCorp Variant Classification Summary - May 2015. Collection method: clinical testing. Allele origin: germline.

NM_001042492.3(NF1):c.619G>A (p.Val207Ile)

Gene: NF1 (neurofibromin 1; plus strand). Cytogenetic location: 17q11.2.
Variant type: single nucleotide variant.
Coding change: c.619G>A on transcript NM_001042492.3 (MANE Select); coding-DNA position 619, G replaced by A.
Protein change: p.Val207Ile; replaces valine 207 with isoleucine.
Molecular consequence: missense variant.
Genome position (GRCh38, 1-based): chr17:31,181,454, G>A. VCF-style: chr17-31181454-G-A. GRCh37 (hg19) VCF-style: chr17-29508472-G-A.
Other names: c.619G>A, p.Val207Ile (NM_000267.4, NM_001128147.3); short protein forms V207I.
Identifiers: ClinVar variation 1464955 (VCV001464955.9), dbSNP rs752959118, ClinGen allele CA8485572.